The following is an entry in ClinVar:

NM_006767.4(LZTR1):c.1981G>A (p.Gly661Arg)

Gene: LZTR1 (leucine zipper like post translational regulator 1; plus strand). Cytogenetic location: 22q11.21.
Variant type: single nucleotide variant.
Coding change: c.1981G>A on transcript NM_006767.4 (MANE Select); coding-DNA position 1981, G replaced by A.
Protein change: p.Gly661Arg; replaces glycine 661 with arginine.
Molecular consequence: missense variant.
Genome position (GRCh38, 1-based): chr22:20,995,784, G>A. VCF-style: chr22-20995784-G-A. GRCh37 (hg19) VCF-style: chr22-21350073-G-A.
Other names: short protein forms G661R.
Identifiers: ClinVar variation 1783818 (VCV001783818.6), dbSNP rs781255401, ClinGen allele CA10119183.

ClinVar aggregate classification (germline): Uncertain significance. Review status: criteria provided, multiple submitters, no conflicts (2 of 4 stars). 2 submissions from 2 submitters: Uncertain significance (2). Last evaluated 2026-08-23.

Conditions:
Cardiovascular phenotype. Identifiers: MedGen CN230736.
Hereditary cancer-predisposing syndrome. Also called: Hereditary Cancer Syndrome; Hereditary neoplastic syndrome; Neoplastic Syndromes, Hereditary; Tumor predisposition. Identifiers: Orphanet 140162, MedGen C0027672, MeSH D009386, MONDO:0015356.

Allele frequency attached by ClinVar (database versions not stated): ExAC 0.00002.
gnomAD v4.1: 6 of 1,613,600 alleles (0.00037%); highest among the groups gnomAD compares: Non-Finnish European, 0.00051%; no homozygotes.

Submissions (2):

Ambry Genetics
Classification: Uncertain significance for Cardiovascular phenotype; Hereditary cancer-predisposing syndrome. Last evaluated: 2026-08-23. Review status: criteria provided, single submitter. Criteria: Ambry Variant Classification Scheme 2023. Collection method: clinical testing. Allele origin: germline.
Comment: The c.1981G>A (p.G661R) alteration is located in exon 17 (coding exon 17) of the LZTR1 gene. This alteration results from a G to A substitution at nucleotide position 1981, causing the glycine (G) at amino acid position 661 to be replaced by an arginine (R). Based on data from gnomAD, the A allele has an overall frequency of 0.001% (2/251284) total alleles studied. The highest observed frequency was 0.002% (2/113682) of European (non-Finnish) alleles. Based on insufficient or conflicting evidence, the clinical significance of this alteration remains unclear.

Labcorp Genetics (formerly Invitae), Labcorp
Classification: Uncertain significance. Last evaluated: 2025-03-18. Review status: criteria provided, single submitter. Criteria: Invitae Variant Classification Sherloc (09022015). Collection method: clinical testing. Allele origin: germline.
Comment: This sequence change replaces glycine, which is neutral and non-polar, with arginine, which is basic and polar, at codon 661 of the LZTR1 protein (p.Gly661Arg). This variant is present in population databases (rs781255401, gnomAD 0.002%). This variant has not been reported in the literature in individuals affected with LZTR1-related conditions. ClinVar contains an entry for this variant (Variation ID: 1783818). Invitae Evidence Modeling of protein sequence and biophysical properties (such as structural, functional, and spatial information, amino acid conservation, physicochemical variation, residue mobility, and thermodynamic stability) indicates that this missense variant is not expected to disrupt LZTR1 protein function with a negative predictive value of 80%. In summary, the available evidence is currently insufficient to determine the role of this variant in disease. Therefore, it has been classified as a Variant of Uncertain Significance.